The following is an entry in ClinVar:

ClinVar aggregate classification (germline): Uncertain significance (1 of 4 stars; one submission).

Conditions:
Osteogenesis imperfecta type I (OI1). Also called: Osteogenesis imperfecta type 1; Lobstein's Disease; Classic Non-deforming Osteogenesis Imperfecta with Blue Sclerae; OI, TYPE I; OSTEOGENESIS IMPERFECTA TARDA; OSTEOGENESIS IMPERFECTA WITH BLUE SCLERAE. Identifiers: Orphanet 216796, Orphanet 666, MedGen C0023931, MONDO:0008146, OMIM 166200. Disease mechanism: loss of function.

Allele frequency attached by ClinVar (database versions not stated): gnomAD exomes below 0.00001; ExAC 0.00004.
gnomAD v4.1: 1 of 1,574,842 alleles (0.000063%); highest among the groups gnomAD compares: South Asian, 0.0012%; no homozygotes.

Submission:

Labcorp Genetics (formerly Invitae), Labcorp
Classification: Uncertain significance for Osteogenesis imperfecta type I. Last evaluated: 2025-10-06. Review status: criteria provided, single submitter. Criteria: Invitae Variant Classification Sherloc (09022015). Collection method: clinical testing. Allele origin: germline.
Comment: This sequence change falls in intron 31 of the COL1A1 gene. It does not directly change the encoded amino acid sequence of the COL1A1 protein. It affects a nucleotide within the consensus splice site. The frequency data for this variant in the population databases is considered unreliable, as metrics indicate poor data quality at this position in the gnomAD database. This variant has not been reported in the literature in individuals affected with COL1A1-related conditions. ClinVar contains an entry for this variant (Variation ID: 2798704). Variants that disrupt the consensus splice site are a relatively common cause of aberrant splicing (PMID: 17576681, 9536098). Algorithms developed to predict the effect of sequence changes on RNA splicing suggest that this variant is not likely to affect RNA splicing. In summary, the available evidence is currently insufficient to determine the role of this variant in disease. Therefore, it has been classified as a Variant of Uncertain Significance.

Literature cited by the submitters: PubMed 17576681; PubMed 9536098.

NM_000088.4(COL1A1):c.2127+3G>A

Gene: COL1A1 (collagen type I alpha 1 chain; minus strand). Cytogenetic location: 17q21.33.
Variant type: single nucleotide variant.
Coding change: c.2127+3G>A on transcript NM_000088.4 (MANE Select); 3 bases into the intron after coding-DNA position 2127, G replaced by A.
Molecular consequence: intron variant.
Genome position (GRCh38, 1-based): chr17:50,191,785, C>T on the plus strand (G>A on the coding strand, the complement: COL1A1 is on the minus strand). VCF-style: chr17-50191785-C-T. GRCh37 (hg19) VCF-style: chr17-48269146-C-T.
Identifiers: ClinVar variation 2798704 (VCV002798704.3), dbSNP rs758319203, ClinGen allele CA8644930.